The following is an entry in ClinVar:

ClinVar aggregate classification (germline): Uncertain significance (1 of 4 stars; one submission).

gnomAD v4.1: 10 of 1,567,726 alleles (0.00064%); highest among the groups gnomAD compares: South Asian, 0.012%; no homozygotes.

Submission:

Ambry Genetics
Classification: Uncertain significance. Last evaluated: 2026-01-13. Review status: criteria provided, single submitter. Criteria: Ambry Variant Classification Scheme 2023. Collection method: clinical testing. Allele origin: germline.
Comment: The p.P45A variant (also known as c.133C>G), located in coding exon 1 of the ATRIP gene, results from a C to G substitution at nucleotide position 133. The proline at codon 45 is replaced by alanine, an amino acid with highly similar properties. This amino acid position is conserved. In addition, this alteration is predicted to be tolerated by in silico analysis. Based on the available evidence, the clinical significance of this variant remains unclear.

NM_130384.3(ATRIP):c.133C>G (p.Pro45Ala)

Genes: ATRIP (ATR interacting protein; plus strand), ATRIP-TREX1 (ATRIP-TREX1 readthrough; plus strand), LOC129936703 (ATAC-STARR-seq lymphoblastoid silent region 14331; plus strand). Cytogenetic location: 3p21.31.
Variant type: single nucleotide variant.
Coding change: c.133C>G on transcript NM_130384.3 (MANE Select); coding-DNA position 133, C replaced by G.
Protein change: p.Pro45Ala; replaces proline 45 with alanine.
Molecular consequence: missense variant. On other transcripts: non-coding transcript variant (1), intron variant (1).
Genome position (GRCh38, 1-based): chr3:48,446,978, C>G. VCF-style: chr3-48446978-C-G. GRCh37 (hg19) VCF-style: chr3-48488382-C-G.
Other names: c.133C>G, p.Pro45Ala (NM_032166.4); c.-218+179C>G (NM_001271022.2); short protein forms P45A.
Identifiers: ClinVar variation 4842186 (VCV004842186.1).